The following is an entry in ClinVar:

ClinVar aggregate classification (germline): Uncertain significance (1 of 4 stars; one submission).

Submission:

Labcorp Genetics (formerly Invitae), Labcorp
Classification: Uncertain significance. Last evaluated: 2023-05-22. Review status: criteria provided, single submitter. Criteria: Invitae Variant Classification Sherloc (09022015). Collection method: clinical testing. Allele origin: germline.
Comment: Information on the frequency of this variant in the gnomAD database is not available, as this variant may be reported differently in the database. In summary, the available evidence is currently insufficient to determine the role of this variant in disease. Therefore, it has been classified as a Variant of Uncertain Significance. An algorithm developed to predict the effect of missense changes on protein structure and function (PolyPhen-2) suggests that this variant is likely to be disruptive. This variant has not been reported in the literature in individuals affected with KIAA0753-related conditions. This sequence change replaces proline, which is neutral and non-polar, with leucine, which is neutral and non-polar, at codon 566 of the KIAA0753 protein (p.Pro566Leu).

NM_014804.3(KIAA0753):c.1696_1697delinsTT (p.Pro566Leu)

Gene: KIAA0753 (KIAA0753; minus strand). Cytogenetic location: 17p13.1.
Variant type: Indel.
Coding change: c.1696_1697delinsTT on transcript NM_014804.3 (MANE Select); coding-DNA positions 1696 to 1697, CC replaced by TT.
Protein change: p.Pro566Leu; replaces proline 566 with leucine.
Molecular consequence: missense variant. On other transcripts: non-coding transcript variant (3).
Genome position (GRCh38, 1-based): chr17:6,610,009-6,610,010, GG replaced by AA on the plus strand (CC replaced by TT on the coding strand, the reverse complement: KIAA0753 is on the minus strand). VCF-style: chr17-6610009-GG-AA. GRCh37 (hg19) VCF-style: chr17-6513329-GG-AA.
Other names: c.799_800delinsTT, p.Pro267Leu (NM_001351225.2); short protein forms P267L, P566L.
Identifiers: ClinVar variation 2864586 (VCV002864586.3), dbSNP rs2544409340, ClinGen allele CA2739267087.